The following is an entry in ClinVar:

ClinVar aggregate classification (germline): Uncertain significance. Review status: criteria provided, multiple submitters, no conflicts (2 of 4 stars). 2 submissions from 2 submitters: Uncertain significance (2). Last evaluated 2024-06-22.

Conditions:
Cardiovascular phenotype. Identifiers: MedGen CN230736.
Arrhythmogenic right ventricular dysplasia 10. Also called: Arrhythmogenic Right Ventricular Dysplasia/Cardiomyopathy10; ARRHYTHMOGENIC RIGHT VENTRICULAR DYSPLASIA, FAMILIAL, 10; Arrhythmogenic right ventricular dysplasia/cardiomyopathy, type 10. Identifiers: MedGen C1857777, MONDO:0012434, OMIM 610193.

Allele frequency attached by ClinVar (database versions not stated): gnomAD exomes below 0.00001.
gnomAD v4.1: 2 of 1,494,702 alleles (0.00013%); highest among the groups gnomAD compares: Non-Finnish European, 0.000089%; no homozygotes.

Submissions (2):

Labcorp Genetics (formerly Invitae), Labcorp
Classification: Uncertain significance for Arrhythmogenic right ventricular dysplasia 10. Last evaluated: 2024-06-22. Review status: criteria provided, single submitter. Criteria: Invitae Variant Classification Sherloc (09022015). Collection method: clinical testing. Allele origin: germline.
Comment: This sequence change replaces phenylalanine, which is neutral and non-polar, with serine, which is neutral and polar, at codon 776 of the DSG2 protein (p.Phe776Ser). This variant is not present in population databases (gnomAD no frequency). This variant has not been reported in the literature in individuals affected with DSG2-related conditions. ClinVar contains an entry for this variant (Variation ID: 1384293). Advanced modeling of protein sequence and biophysical properties (such as structural, functional, and spatial information, amino acid conservation, physicochemical variation, residue mobility, and thermodynamic stability) has been performed at Invitae for this missense variant, however the output from this modeling did not meet the statistical confidence thresholds required to predict the impact of this variant on DSG2 protein function. In summary, the available evidence is currently insufficient to determine the role of this variant in disease. Therefore, it has been classified as a Variant of Uncertain Significance.

Ambry Genetics
Classification: Uncertain significance for Cardiovascular phenotype. Last evaluated: 2022-11-17. Review status: criteria provided, single submitter. Criteria: Ambry Variant Classification Scheme 2023. Collection method: clinical testing. Allele origin: germline.
Comment: The p.F776S variant (also known as c.2327T>C), located in coding exon 14 of the DSG2 gene, results from a T to C substitution at nucleotide position 2327. The phenylalanine at codon 776 is replaced by serine, an amino acid with highly dissimilar properties. This amino acid position is conserved. In addition, the in silico prediction for this alteration is inconclusive. Since supporting evidence is limited at this time, the clinical significance of this alteration remains unclear.

NM_001943.5(DSG2):c.2327T>C (p.Phe776Ser)

Genes: DSG2 (desmoglein 2; plus strand), DSG2-AS1 (DSG2 antisense RNA 1; minus strand). Cytogenetic location: 18q12.1.
Variant type: single nucleotide variant.
Coding change: c.2327T>C on transcript NM_001943.5 (MANE Select); coding-DNA position 2327, T replaced by C.
Protein change: p.Phe776Ser; replaces phenylalanine 776 with serine.
Molecular consequence: missense variant.
Genome position (GRCh38, 1-based): chr18:31,542,845, T>C. VCF-style: chr18-31542845-T-C. GRCh37 (hg19) VCF-style: chr18-29122808-T-C.
Other names: c.2327T>C (NM_001943.3); short protein forms F776S.
Identifiers: ClinVar variation 1384293 (VCV001384293.7), dbSNP rs2144353836, ClinGen allele CA402143337.